The following is an entry in ClinVar:

NM_021096.4(CACNA1I):c.2628G>A (p.Ser876=)

Gene: CACNA1I (calcium voltage-gated channel subunit alpha1 I; plus strand). Cytogenetic location: 22q13.1.
Variant type: single nucleotide variant.
Coding change: c.2628G>A on transcript NM_021096.4 (MANE Select); coding-DNA position 2628, G replaced by A.
Protein change: p.Ser876=; no amino-acid change (serine 876 retained).
Molecular consequence: synonymous variant.
Genome position (GRCh38, 1-based): chr22:39,660,367, G>A. VCF-style: chr22-39660367-G-A. GRCh37 (hg19) VCF-style: chr22-40056372-G-A.
Other names: c.2523G>A, p.Ser841= (NM_001003406.2).
Identifiers: ClinVar variation 3040258 (VCV003040258.2), dbSNP rs60675613, ClinGen allele CA10244239.

ClinVar aggregate classification (germline): Likely benign (0 of 4 stars; one submission).

Conditions:
CACNA1I-related disorder. Also called: CACNA1I-related condition.

Allele frequency attached by ClinVar (database versions not stated): 1000 Genomes Project 30x 0.00016; 1000 Genomes Project 0.00020; ESP Exome Variant Server 0.00056; TOPMed 0.00056; gnomAD 0.00057; ExAC 0.00063.
gnomAD v4.1: 1,460 of 1,612,756 alleles (0.091%); highest among the groups gnomAD compares: Non-Finnish European, 0.11%; 4 homozygotes.

Submission:

PreventionGenetics, part of Exact Sciences
Classification: Likely benign for CACNA1I-related condition. Last evaluated: 2022-09-23. Review status: no assertion criteria provided. Collection method: clinical testing. Allele origin: germline.
Comment: This variant is classified as likely benign based on ACMG/AMP sequence variant interpretation guidelines (Richards et al. 2015 PMID: 25741868, with internal and published modifications).